The following is an entry in ClinVar:

ClinVar aggregate classification (germline): Likely benign. Review status: criteria provided, multiple submitters, no conflicts (2 of 4 stars). 6 submissions from 4 submitters: Likely benign (6). Last evaluated 2026-08-01.

Conditions:
Pallister-Hall syndrome (PHS). Also called: HYPOTHALAMIC HAMARTOBLASTOMA, HYPOPITUITARISM, IMPERFORATE ANUS, AND POSTAXIAL POLYDACTYLY; GLI3-Related Pallister-Hall Syndrome. Identifiers: Orphanet 672, MedGen C0265220, MONDO:0007804, OMIM 146510.
Greig cephalopolysyndactyly syndrome (GCPS). Also called: GLI3-Related Greig Cephalopolysyndactyly Syndrome; POLYSYNDACTYLY WITH PECULIAR SKULL SHAPE; Greig syndrome. Identifiers: Orphanet 380, MedGen C0265306, MONDO:0008287, OMIM 175700.
Polysyndactyly 4. Also called: Polysyndactyly uncomplicated; Preaxial polydactyly 4. Identifiers: Orphanet 93338, MedGen C1868111, MONDO:0008272, OMIM 174700.
Polydactyly, postaxial, type A1. Identifiers: MedGen C4282400, MONDO:0008266, OMIM 174200.
Polydactyly. Also called: polydactylism. Identifiers: MedGen C0152427, MONDO:0021003, OMIM 603596, HP:0010442.

Allele frequency attached by ClinVar (database versions not stated): gnomAD 0.00001; gnomAD exomes 0.00001 and 0.00004; TOPMed 0.00001; ExAC 0.00003.
gnomAD v4.1: 25 of 1,613,722 alleles (0.0015%); highest among the groups gnomAD compares: Middle Eastern, 0.049%; no homozygotes.

Submissions (6):

CeGaT Center for Human Genetics Tuebingen
Classification: Likely benign. Last evaluated: 2026-08-01. Review status: criteria provided, single submitter. Criteria: CeGaT Center For Human Genetics Tuebingen Variant Classification Criteria Version 2. Collection method: clinical testing. Allele origin: germline. Affected: yes. Observed: 1 variant allele.
Comment: GLI3: BP4, BP7

Blueprint Genetics
Classification: Likely benign. Last evaluated: 2024-07-03. Review status: criteria provided, single submitter. Criteria: ACMG Guidelines, 2015. Collection method: clinical testing. Allele origin: germline.

Fulgent Genetics
Classification: Likely benign for Pallister-Hall syndrome; Polydactyly, postaxial, type A1; Polysyndactyly 4; Greig cephalopolysyndactyly syndrome. Last evaluated: 2021-11-03. Review status: criteria provided, single submitter. Criteria: ACMG Guidelines, 2015. Collection method: clinical testing. Allele origin: unknown.

Illumina Laboratory Services, Illumina
Classification: Likely benign for Polydactyly. Last evaluated: 2018-01-13. Review status: criteria provided, single submitter. Criteria: ICSL Variant Classification Criteria 13 December 2019. Collection method: clinical testing. Allele origin: germline.
Comment: This variant was observed in the ICSL laboratory as part of a predisposition screen in an ostensibly healthy population. It had not been previously curated by ICSL or reported in the Human Gene Mutation Database (HGMD: prior to June 1st, 2018), and was therefore a candidate for classification through an automated scoring system. Utilizing variant allele frequency, disease prevalence and penetrance estimates, and inheritance mode, an automated score was calculated to assess if this variant is too frequent to cause the disease. Based on the score and internal cut-off values, a variant classified as likely benign is not then subjected to further curation. The score for this variant resulted in a classification of likely benign for this disease.

Illumina Laboratory Services, Illumina
Classification: Likely benign for Pallister-Hall syndrome. Last evaluated: 2018-01-13. Review status: criteria provided, single submitter. Criteria: ICSL Variant Classification Criteria 13 December 2019. Collection method: clinical testing. Allele origin: germline.
Comment: the same text as in the submission from Illumina Laboratory Services, Illumina above.

Illumina Laboratory Services, Illumina
Classification: Likely benign for Greig cephalopolysyndactyly syndrome. Last evaluated: 2018-01-13. Review status: criteria provided, single submitter. Criteria: ICSL Variant Classification Criteria 13 December 2019. Collection method: clinical testing. Allele origin: germline.
Comment: the same text as in the submission from Illumina Laboratory Services, Illumina above.

NM_000168.6(GLI3):c.4008G>A (p.Gly1336=)

Gene: GLI3 (GLI family zinc finger 3; minus strand). Cytogenetic location: 7p14.1.
Variant type: single nucleotide variant.
Coding change: c.4008G>A on transcript NM_000168.6 (MANE Select); coding-DNA position 4008, G replaced by A.
Protein change: p.Gly1336=; no amino-acid change (glycine 1336 retained).
Molecular consequence: synonymous variant.
Genome position (GRCh38, 1-based): chr7:41,965,065, C>T on the plus strand (G>A on the coding strand, the complement: GLI3 is on the minus strand). VCF-style: chr7-41965065-C-T. GRCh37 (hg19) VCF-style: chr7-42004663-C-T.
Identifiers: ClinVar variation 908916 (VCV000908916.7), dbSNP rs755403372, ClinGen allele CA4230208.
Genomic context (GRCh38, chr7:41,965,065, plus strand): 5'-GATGTTGATGTGTGAGGTAGCACTAATCTGCCCAAGCATCTGCTGACCGGGGCGGCCTGC[C>T]CCCGGGTGCTGCATGCTGTCGCCGAGGAGCTGGTGAGCCAGGTACCCCTGTCCCACTGGG-3'
Protein context (NP_000159.3, residues 1326-1346): QLLGDSMQHP[Gly1336=]AGRPGQQMLG